The following is an entry in ClinVar:

ClinVar aggregate classification (germline): Uncertain significance. Review status: criteria provided, multiple submitters, no conflicts (2 of 4 stars). 3 submissions from 3 submitters: Uncertain significance (2). 1 of the submissions does not count toward it. Last evaluated 2025-08-12.

Conditions:
TUB-related disorder. Also called: TUB-related condition.

Allele frequency attached by ClinVar (database versions not stated): gnomAD 0.00003 and 0.00004; gnomAD exomes 0.00006 and 0.00007; TOPMed 0.00006; ExAC 0.00012.
gnomAD v4.1: 95 of 1,610,742 alleles (0.0059%); highest among the groups gnomAD compares: Middle Eastern, 0.016%; no homozygotes.

Submissions (3):

Ambry Genetics
Classification: Uncertain significance. Last evaluated: 2025-08-12. Review status: criteria provided, single submitter. Criteria: Ambry Variant Classification Scheme 2023. Collection method: clinical testing. Allele origin: germline.

Labcorp Genetics (formerly Invitae), Labcorp
Classification: Uncertain significance. Last evaluated: 2021-01-12. Review status: criteria provided, single submitter. Criteria: Invitae Variant Classification Sherloc (09022015). Collection method: clinical testing. Allele origin: germline.
Comment: This variant is present in population databases (rs199992047, ExAC 0.02%). This sequence change replaces glutamic acid with lysine at codon 229 of the TUB protein (p.Glu229Lys). The glutamic acid residue is weakly conserved and there is a small physicochemical difference between glutamic acid and lysine. This variant has not been reported in the literature in individuals with TUB-related conditions. Algorithms developed to predict the effect of missense changes on protein structure and function (SIFT, PolyPhen-2, Align-GVGD) all suggest that this variant is likely to be tolerated, but these predictions have not been confirmed by published functional studies and their clinical significance is uncertain. In summary, the available evidence is currently insufficient to determine the role of this variant in disease. Therefore, it has been classified as a Variant of Uncertain Significance.

PreventionGenetics, part of Exact Sciences
Classification: Uncertain significance for TUB-related condition. Last evaluated: 2024-01-10. Review status: no assertion criteria provided. Collection method: clinical testing. Allele origin: germline. Not counted in ClinVar's aggregate classification.
Comment: The TUB c.685G>A variant is predicted to result in the amino acid substitution p.Glu229Lys. To our knowledge, this variant has not been reported in the literature. This variant is reported in 0.013% of alleles in individuals of European (Non-Finnish) descent in gnomAD. At this time, the clinical significance of this variant is uncertain due to the absence of conclusive functional and genetic evidence.

NM_177972.3(TUB):c.520G>A (p.Glu174Lys)

Genes: RIC3 (RIC3 acetylcholine receptor chaperone; minus strand), TUB (TUB bipartite transcription factor; plus strand). Cytogenetic location: 11p15.4.
Variant type: single nucleotide variant.
Coding change: c.520G>A on transcript NM_177972.3 (MANE Select); coding-DNA position 520, G replaced by A.
Protein change: p.Glu174Lys; replaces glutamic acid 174 with lysine.
Molecular consequence: missense variant.
Genome position (GRCh38, 1-based): chr11:8,095,620, G>A. VCF-style: chr11-8095620-G-A. GRCh37 (hg19) VCF-style: chr11-8117167-G-A.
Other names: c.685G>A, p.Glu229Lys (NM_003320.5); c.685G>A (NM_003320.4); short protein forms E229K, E174K.
Identifiers: ClinVar variation 1351443 (VCV001351443.10), dbSNP rs199992047, ClinGen allele CA5871119.